The following is an entry in ClinVar:

ClinVar aggregate classification (germline): Likely pathogenic (1 of 4 stars; one submission).

Conditions:
Hereditary cancer-predisposing syndrome. Also called: Neoplastic Syndromes, Hereditary; Tumor predisposition; Hereditary Cancer Syndrome; Hereditary neoplastic syndrome. Identifiers: Orphanet 140162, MedGen C0027672, MeSH D009386, MONDO:0015356.

Submission:

Color Diagnostics, LLC DBA Color Health
Classification: Likely pathogenic for Hereditary cancer-predisposing syndrome. Last evaluated: 2024-08-27. Review status: criteria provided, single submitter. Criteria: ACMG Guidelines, 2015. Collection method: clinical testing. Allele origin: germline.
Comment: This variant inserts 1 nucleotide in exon 20/20 of the BRIP1 gene, creating a frameshift and premature translation stop signal. This variant is expected to escape nonsense-mediated decay and be expressed as a truncated protein that lacks the TopBP1 binding domain (a.a. 1106-1178) and an acetylation site (p.Lys1249) in the C-terminus, which have been reported to play an important role in DNA replication-stress response and maintaining genomic stability (PMID: 20159562, 21127055, 22792074). To our knowledge, this variant has not been reported in individuals affected with BRIP1-related disorders in the literature. This variant has not been identified in the general population by the Genome Aggregation Database (gnomAD). Loss of BRIP1 function is a known mechanism of disease. Based on the available evidence, this variant is classified as Likely Pathogenic.

Literature cited by the submitters: PubMed 20159562; PubMed 21127055; PubMed 22792074.

NM_032043.3(BRIP1):c.3207dup (p.Ser1070fs)

Gene: BRIP1 (BRCA1 interacting DNA helicase 1; minus strand). Cytogenetic location: 17q23.2.
Variant type: Duplication.
Coding change: c.3207dup on transcript NM_032043.3 (MANE Select); coding-DNA position 3207, one base duplicated (A; older notation c.3207dupA).
Protein change: p.Ser1070fs; shifts the reading frame from serine 1070.
Molecular consequence: frameshift variant.
Genome position (GRCh38, 1-based): chr17:61,683,839, T duplicated on the plus strand (A on the coding strand, the reverse complement: BRIP1 is on the minus strand); the first of 2 consecutive T bases (chr17:61,683,839-61,683,840); duplicating either gives the same sequence. VCF-style (leftmost placement, unchanged base first): chr17-61683838-A-AT. GRCh37 (hg19) VCF-style: chr17-59761199-A-AT.
Other names: short protein forms S1070fs.
Identifiers: ClinVar variation 3894048 (VCV003894048.1).
Genomic context (GRCh38, chr17:61,683,838, plus strand): 5'-CAGAATGATTTTTTCTAGTAAGGGTGGCATCAATCTTTAATGATGAAATAATGGTTTCTG[A>AT]TTGAGGGCATGATCCAAACGATGTGTTTACTGTCAGATTTGAGGATTCACATTTATCAGT-3'